The following is an entry in ClinVar:

ClinVar aggregate classification (germline): Uncertain significance (1 of 4 stars; one submission).

Conditions:
Hereditary hyperekplexia. Identifiers: Orphanet 3197, MedGen C4084968, MONDO:0021022.

gnomAD v4.1: 1 of 1,606,620 alleles (0.000062%); highest among the groups gnomAD compares: South Asian, 0.0011%; no homozygotes.

Submission:

Labcorp Genetics (formerly Invitae), Labcorp
Classification: Uncertain significance for Hereditary hyperekplexia. Last evaluated: 2022-04-06. Review status: criteria provided, single submitter. Criteria: Invitae Variant Classification Sherloc (09022015). Collection method: clinical testing. Allele origin: germline.
Comment: In summary, the available evidence is currently insufficient to determine the role of this variant in disease. Therefore, it has been classified as a Variant of Uncertain Significance. Advanced modeling of protein sequence and biophysical properties (such as structural, functional, and spatial information, amino acid conservation, physicochemical variation, residue mobility, and thermodynamic stability) performed at Invitae indicates that this missense variant is not expected to disrupt GLRA1 protein function. This variant has not been reported in the literature in individuals affected with GLRA1-related conditions. This variant is not present in population databases (gnomAD no frequency). This sequence change replaces glycine, which is neutral and non-polar, with glutamic acid, which is acidic and polar, at codon 358 of the GLRA1 protein (p.Gly358Glu).

NM_000171.4(GLRA1):c.1073G>A (p.Gly358Glu)

Gene: GLRA1 (glycine receptor alpha 1; minus strand). Cytogenetic location: 5q33.1.
Variant type: single nucleotide variant.
Coding change: c.1073G>A on transcript NM_000171.4 (MANE Select); coding-DNA position 1073, G replaced by A.
Protein change: p.Gly358Glu; replaces glycine 358 with glutamic acid.
Molecular consequence: missense variant.
Genome position (GRCh38, 1-based): chr5:151,822,950, C>T on the plus strand (G>A on the coding strand, the complement: GLRA1 is on the minus strand). VCF-style: chr5-151822950-C-T. GRCh37 (hg19) VCF-style: chr5-151202511-C-T.
Other names: c.1097G>A, p.Gly366Glu (NM_001146040.2); c.824G>A, p.Gly275Glu (NM_001292000.2); short protein forms G366E, G275E, G358E.
Identifiers: ClinVar variation 2122016 (VCV002122016.4), dbSNP rs1763179165, ClinGen allele CA361850360.